The following is an entry in ClinVar:

ClinVar aggregate classification (germline): Uncertain significance. Review status: criteria provided, multiple submitters, no conflicts (2 of 4 stars). 3 submissions from 3 submitters: Uncertain significance (3). Last evaluated 2025-11-24.

Conditions:
Hereditary cancer-predisposing syndrome. Also called: Tumor predisposition; Neoplastic Syndromes, Hereditary; Hereditary neoplastic syndrome; Hereditary Cancer Syndrome. Identifiers: Orphanet 140162, MedGen C0027672, MeSH D009386, MONDO:0015356.
Hereditary breast ovarian cancer syndrome. Also called: Breast and ovarian cancer; BRCA1- and BRCA2-Associated Hereditary Breast and Ovarian Cancer; Hereditary breast and ovarian cancer syndrome (HBOC); Hereditary breast and ovarian cancer; Hereditary breast and/or ovarian cancer syndrome; Hereditary breast and ovarian cancer syndrome. Identifiers: Orphanet 145, MedGen C0677776, MeSH D061325, MONDO:0003582. Disease mechanism: loss of function.

Allele frequency attached by ClinVar (database versions not stated): gnomAD exomes below 0.00001; ExAC 0.00001; gnomAD 0.00001.
gnomAD v4.1: 1 of 1,613,506 alleles (0.000062%); highest among the groups gnomAD compares: Non-Finnish European, 0.000085%; no homozygotes.

Submissions (3):

Labcorp Genetics (formerly Invitae), Labcorp
Classification: Uncertain significance for Hereditary breast ovarian cancer syndrome. Last evaluated: 2025-11-24. Review status: criteria provided, single submitter. Criteria: Invitae Variant Classification Sherloc (09022015). Collection method: clinical testing. Allele origin: germline.
Comment: This sequence change replaces lysine, which is basic and polar, with threonine, which is neutral and polar, at codon 1476 of the BRCA1 protein (p.Lys1476Thr). This variant is present in population databases (rs750437234, gnomAD 0.0009%). This missense change has been observed in individual(s) with prostate cancer (PMID: 26689913). ClinVar contains an entry for this variant (Variation ID: 496384). Invitae Evidence Modeling of protein sequence and biophysical properties (such as structural, functional, and spatial information, amino acid conservation, physicochemical variation, residue mobility, and thermodynamic stability) indicates that this missense variant is not expected to disrupt BRCA1 protein function with a negative predictive value of 95%. Experimental studies have shown that this missense change does not substantially affect BRCA1 function (PMID: 26689913). In summary, the available evidence is currently insufficient to determine the role of this variant in disease. Therefore, it has been classified as a Variant of Uncertain Significance.

Ambry Genetics
Classification: Uncertain significance for Hereditary cancer-predisposing syndrome. Last evaluated: 2020-02-14. Review status: criteria provided, single submitter. Criteria: Ambry Variant Classification Scheme 2023. Collection method: clinical testing. Allele origin: germline.

Women's Health and Genetics/Laboratory Corporation of America, LabCorp
Classification: Uncertain significance. Last evaluated: 2017-05-26. Review status: criteria provided, single submitter. Criteria: LabCorp Variant Classification Summary - May 2015. Collection method: clinical testing. Allele origin: germline.
Comment: Variant summary: The BRCA1 c.4427A>C (p.Lys1476Thr) variant causes a missense change involving the alteration of a conserved nucleotide. 2/3 in silico tools predict a damaging outcome for this variant (SNPsandGO not captured due to low reliability index). The variant of interest has been found in a large, broad control population, ExAC in 1/121378 control chromosomes at a frequency of 0.0000082, which does not exceed the estimated maximal expected allele frequency of a pathogenic BRCA1 variant (0.0010005). Homology-directed repair (HDR) assays showed the variant does not affect HDR activity, though appropriate controls were not available for evaluation (Lu_BRCA_Nature Comms_2015). Because of the absence of clinical information and the lack of functional studies, the variant is classified as a variant of uncertain significance (VUS).

Literature cited by the submitters: PubMed 26689913 (cited by Labcorp Genetics (formerly Invitae), Labcorp and Women's Health and Genetics/Laboratory Corporation of America, LabCorp).

NM_007294.4(BRCA1):c.4427A>C (p.Lys1476Thr)

Gene: BRCA1 (BRCA1 DNA repair associated; minus strand). Cytogenetic location: 17q21.31.
Variant type: single nucleotide variant.
Coding change: c.4427A>C on transcript NM_007294.4 (MANE Select); coding-DNA position 4427, A replaced by C.
Protein change: p.Lys1476Thr; replaces lysine 1476 with threonine.
Molecular consequence: missense variant. On other transcripts: non-coding transcript variant (1).
Genome position (GRCh38, 1-based): chr17:43,076,545, T>G on the plus strand (A>C on the coding strand, the complement: BRCA1 is on the minus strand). VCF-style: chr17-43076545-T-G. GRCh37 (hg19) VCF-style: chr17-41228562-T-G.
Other names: c.4301A>C, p.Lys1434Thr (NM_001407675.1, NM_001407680.1, NM_001407677.1 and 11 more transcripts); c.4283A>C, p.Lys1428Thr (NM_001407747.1, NM_001407752.1, NM_001407749.1 and 21 more transcripts); c.1115A>C, p.Lys372Thr (NM_001407985.1, NM_001407986.1, NM_001407990.1 and 13 more transcripts); c.1112A>C, p.Lys371Thr (NM_001408392.1, NM_001408396.1, NM_001408397.1 and 8 more transcripts); c.4214A>C, p.Lys1405Thr (NM_001407571.1, NM_001407894.1, NM_001407895.1 and 12 more transcripts); c.4493A>C, p.Lys1498Thr (NM_001407581.1, NM_001407582.1); c.4490A>C, p.Lys1497Thr (NM_001407583.1, NM_001407585.1, NM_001407587.1 and 1 more transcripts); c.4487A>C, p.Lys1496Thr (NM_001407590.1, NM_001407591.1); and 68 more; short protein forms K1476T, K1497T, K372T, K1429T, K1349T, K1363T, K1364T, K1386T.
Identifiers: ClinVar variation 496384 (VCV000496384.13), dbSNP rs750437234, ClinGen allele CA052280.